The following is an entry in ClinVar:

NM_133379.5(TTN):c.14492G>A (p.Cys4831Tyr)

Genes: TTN (titin; minus strand), LOC126806432 (CDK7 strongly-dependent group 2 enhancer GRCh37_chr2:179611985-179613184; plus strand). Cytogenetic location: 2q31.2.
Variant type: single nucleotide variant.
Coding change: c.14492G>A on transcript NM_133379.5; coding-DNA position 14492, G replaced by A.
Protein change: p.Cys4831Tyr; replaces cysteine 4831 with tyrosine.
Molecular consequence: missense variant. On other transcripts: intron variant (6).
Genome position (GRCh38, 1-based): chr2:178,747,908, C>T on the plus strand (G>A on the coding strand, the complement: TTN is on the minus strand). VCF-style: chr2-178747908-C-T. GRCh37 (hg19) VCF-style: chr2-179612635-C-T.
Other names: p.C4831Y:TGC>TAC; c.10360+5216G>A (NM_133378.4, NM_001256850.1); c.10222+5216G>A (NM_003319.4); c.10798+5216G>A (NM_133437.4); c.10597+5216G>A (NM_133432.3); c.11311+5216G>A (NM_001267550.2); c.14492G>A (NM_133379.4); short protein forms C4831Y.
Identifiers: ClinVar variation 47773 (VCV000047773.64), dbSNP rs150615457, ClinGen allele CA141868.

ClinVar aggregate classification (germline): Benign/Likely benign. Review status: criteria provided, multiple submitters, no conflicts (2 of 4 stars). 12 submissions from 12 submitters: Benign (5); Likely benign (2). 5 of the submissions do not count toward it. Last evaluated 2026-09-01.

Conditions:
Autosomal recessive limb-girdle muscular dystrophy type 2J (LGMDR10). Also called: MUSCULAR DYSTROPHY, LIMB-GIRDLE, AUTOSOMAL RECESSIVE 10; Limb-girdle muscular dystrophy, type 2J. Identifiers: Orphanet 140922, MedGen C1837342, MONDO:0012127, OMIM 608807.
Dilated cardiomyopathy 1G (CMD1G). Identifiers: Orphanet 154, MedGen C1858763, MONDO:0011400, OMIM 604145.

Allele frequency attached by ClinVar (database versions not stated): 1000 Genomes Project 0.00599; gnomAD 0.00112; TOPMed 0.00119; ESP Exome Variant Server 0.00161; 1000 Genomes Project 30x 0.00578.
gnomAD v4.1: 3,987 of 1,613,174 alleles (0.25%); highest among the groups gnomAD compares: South Asian, 2.2%; 57 homozygotes.

Submissions (12):

CeGaT Center for Human Genetics Tuebingen
Classification: Benign. Last evaluated: 2026-09-01. Review status: criteria provided, single submitter. Criteria: CeGaT Center For Human Genetics Tuebingen Variant Classification Criteria Version 2. Collection method: clinical testing. Allele origin: germline. Affected: yes. Observed: 40 variant alleles.
Comment: TTN: BP4, BS1, BS2

Molecular Diagnostic Laboratory for Inherited Cardiovascular Disease, Montreal Heart Institute
Classification: Benign. Last evaluated: 2026-03-27. Review status: criteria provided, single submitter. Criteria: ACMG Guidelines, 2015. Collection method: clinical testing. Allele origin: germline. Affected: no.

Labcorp Genetics (formerly Invitae), Labcorp
Classification: Benign for Dilated cardiomyopathy 1G; Autosomal recessive limb-girdle muscular dystrophy type 2J. Last evaluated: 2025-08-18. Review status: criteria provided, single submitter. Criteria: Invitae Variant Classification Sherloc (09022015). Collection method: clinical testing. Allele origin: germline.

ARUP Laboratories, Molecular Genetics and Genomics, ARUP Laboratories
Classification: Benign. Last evaluated: 2025-06-23. Review status: criteria provided, single submitter. Criteria: ARUP Molecular Germline Variant Investigation Process 2024. Collection method: clinical testing. Allele origin: germline.

Laboratory for Molecular Medicine, Mass General Brigham Personalized Medicine
Classification: Benign. Last evaluated: 2014-12-17. Review status: criteria provided, single submitter. Criteria: LMM Criteria. Collection method: clinical testing. Allele origin: germline. Observed: 15 variant alleles.
Comment: p.Cys4831Tyr in exon 46 of TTN: This variant is not expected to have clinical si gnificance because it has been identified in 2.35% (390/16604) of South Asian ch romosomes by the Exome Aggregation Consortium (ExAC. org; dbSNP rs150615457). Moreover, cysteine (Cys) at position 4831 is not conser ved in mammals an evolutionarily distant species and opossum, tasmanian devil, wallaby and platypus have a tyrosine (Tyr) at this position.

Biesecker Lab/Clinical Genomics Section, National Institutes of Health
Classification: Likely benign. Last evaluated: 2013-06-24. Review status: criteria provided, single submitter. Criteria: Ng et al. (Circ Cardiovasc Genet. 2013). Collection method: research. Allele origin: unknown. Observed: 6 variant alleles. Study: ClinSeq.
Comment: The study set was not selected for affection status in relation to any cancer. Pathogenicity categories were based on literature curation. See Pubmed ID:23861362 for details.

Medical sequencing

Breakthrough Genomics
Classification: Likely benign. Review status: criteria provided, single submitter. Criteria: ACMG Guidelines, 2015. Collection method: not provided. Allele origin: germline. Inheritance: Autosomal recessive inheritance. Affected: yes.

GeneDx
No classification provided. Last evaluated: 2014-07-29. Review status: no classification provided. Criteria: GeneDx Variant Classification (06012015). Collection method: clinical testing. Allele origin: germline. Affected: yes. Not counted in ClinVar's aggregate classification.
Comment: Missense variants in the TTN gene are considered 'unclassified' if they are not previously reported in the literature and do not have >1% frequency in the population to be considered a polymorphism. Research indicates that truncating mutations in the TTN gene are expected to account for approximately 25% of familial and 18% of sporadic idiopathic DCM; however, truncating variants in the TTN gene have been reported in approximately 3% of reported control alleles. There has been little investigation into non-truncating variants. (Herman D et al. Truncations of titin causing dilated cardiomyopathy. N Eng J Med 366:619-628, 2012) The variant is found in CARDIOMYOPATHY,DCM-CRDM panel(s).

Clinical Genetics, Academic Medical Center
Classification: Benign. Review status: no assertion criteria provided. Collection method: clinical testing. Allele origin: germline. Affected: yes. Study: VKGL Data-share Consensus. Not counted in ClinVar's aggregate classification.

Diagnostic Laboratory, Department of Genetics, University Medical Center Groningen
Classification: Likely benign. Review status: no assertion criteria provided. Collection method: clinical testing. Allele origin: germline. Affected: yes. Study: VKGL Data-share Consensus. Not counted in ClinVar's aggregate classification.

Joint Genome Diagnostic Labs from Nijmegen and Maastricht, Radboudumc and MUMC+
Classification: Benign. Review status: no assertion criteria provided. Collection method: clinical testing. Allele origin: germline. Affected: yes. Study: VKGL Data-share Consensus. Not counted in ClinVar's aggregate classification.

Laboratory of Diagnostic Genome Analysis, Leiden University Medical Center (LUMC)
Classification: Likely benign. Review status: no assertion criteria provided. Collection method: clinical testing. Allele origin: germline. Affected: yes. Study: VKGL Data-share Consensus. Not counted in ClinVar's aggregate classification.

Literature cited by the submitters: PubMed 24667040 (cited by Laboratory for Molecular Medicine, Mass General Brigham Personalized Medicine).